The following is an entry in ClinVar:

NM_033380.3(COL4A5):c.2395+3A>G

Gene: COL4A5 (collagen type IV alpha 5 chain; plus strand). Cytogenetic location: Xq22.3.
Variant type: single nucleotide variant.
Coding change: c.2395+3A>G on transcript NM_033380.3 (MANE Select); 3 bases into the intron after coding-DNA position 2395, A replaced by G.
Molecular consequence: intron variant.
Genome position (GRCh38, 1-based): chrX:108,606,895, A>G. VCF-style: chrX-108606895-A-G. GRCh37 (hg19) VCF-style: chrX-107850125-A-G.
Other names: c.2395+3A>G (NM_000495.5).
Identifiers: ClinVar variation 1077045 (VCV001077045.1), dbSNP rs2147832635, ClinGen allele CA2499226318.

ClinVar aggregate classification (germline): Likely pathogenic (1 of 4 stars; one submission).

Conditions:
X-linked Alport syndrome (ATS1). Also called: COL4A5-Related Nephropathy; NEPHROPATHY AND DEAFNESS, X-LINKED. Identifiers: Orphanet 63, Orphanet 88917, MedGen C4746986, MONDO:0010520, OMIM 301050.

Submission:

Precision Medicine Center, Zhengzhou University
Classification: Likely pathogenic for X-linked Alport syndrome. Review status: criteria provided, single submitter. Criteria: ACMG Guidelines, 2015. Collection method: research. Allele origin: germline. Affected: yes.
Comment: PM2:not found in gnomAD PP1:Cosegregation with disease in multiple affected family members PP3:Multiple lines of computational evidence support a deleterious effect on the gene or gene product PP4:Patient's phenotype is highly specific for a disease